The following is an entry in ClinVar:

NM_000616.5(CD4):c.49+35A>G

Gene: CD4 (CD4 molecule; plus strand). Cytogenetic location: 12p13.31.
Variant type: single nucleotide variant.
Coding change: c.49+35A>G on transcript NM_000616.5 (MANE Select); 35 bases into the intron after coding-DNA position 49, A replaced by G.
Molecular consequence: intron variant.
Genome position (GRCh38, 1-based): chr12:6,800,222, A>G. VCF-style: chr12-6800222-A-G. GRCh37 (hg19) VCF-style: chr12-6909388-A-G.
Other names: c.49+35A>G (NM_001382707.1, NM_001382714.1); c.-934+35A>G (NM_001382706.1); c.-769+10560A>G (NM_001382705.1); c.-619+10560A>G (NM_001195015.3); c.-649+10560A>G (NM_001195014.3); c.-606+10560A>G (NM_001195016.3); c.-584+10560A>G (NM_001195017.3).
Identifiers: ClinVar variation 1192705 (VCV001192705.5), dbSNP rs2365568, ClinGen allele CA6415667.
Genomic context (GRCh38, chr12:6,800,222, plus strand): 5'-GCACTTGCTTCTGGTGCTGCAACTGGGTAAGTTCTCAGACCTGGGGTCTCAATGCAGATG[A>G]CGTGGGAGGAAAGGCAAAGGTGGAGGATGGGGTAGAGGGGGACAGCGGCGACATTGAGAC-3'

ClinVar aggregate classification (germline): Benign. Review status: criteria provided, multiple submitters, no conflicts (2 of 4 stars). 3 submissions from 3 submitters: Benign (3). Last evaluated 2024-01-24.

Conditions:
Immunodeficiency 79. Also called: CD4 deficiency. Identifiers: MedGen C5543220, MONDO:0030981, OMIM 619238.

Allele frequency attached by ClinVar (database versions not stated): gnomAD exomes 0.91968 and 0.92631; ExAC 0.92672; TOPMed 0.93262; gnomAD 0.94101 and 0.94173; ESP Exome Variant Server 0.94287; 1000 Genomes Project 30x 0.95440; 1000 Genomes Project 0.95867.
gnomAD v4.1: 1,496,681 of 1,612,746 alleles (93%); highest among the groups gnomAD compares: East Asian, 100%; 695,900 homozygotes.

Submissions (3):

Unidad de Genómica Garrahan, Hospital de Pediatría Garrahan
Classification: Benign. Last evaluated: 2024-01-24. Review status: criteria provided, single submitter. Criteria: ACMG Guidelines, 2015. Collection method: clinical testing. Allele origin: germline. Affected: no. Observed: 94 variant alleles.
Comment: This variant is classified as Benign based on local population frequency. This variant was detected in 99% of patients studied by a panel of primary immunodeficiencies. Number of patients: 94. Only high quality variants are reported.

Genome-Nilou Lab
Classification: Benign for Immunodeficiency 79. Last evaluated: 2021-07-14. Review status: criteria provided, single submitter. Criteria: ACMG Guidelines, 2015. Collection method: clinical testing. Allele origin: germline. Affected: no.

Breakthrough Genomics
Classification: Benign. Review status: criteria provided, single submitter. Criteria: ACMG Guidelines, 2015. Collection method: not provided. Allele origin: germline. Inheritance: Autosomal recessive inheritance. Affected: yes.